The following is an entry in ClinVar:

NM_001098671.2(RASGRP2):c.1474G>C (p.Gly492Arg)

Gene: RASGRP2 (RAS guanyl releasing protein 2; minus strand). Cytogenetic location: 11q13.1.
Variant type: single nucleotide variant.
Coding change: c.1474G>C on transcript NM_001098671.2 (MANE Select); coding-DNA position 1474, G replaced by C.
Protein change: p.Gly492Arg; replaces glycine 492 with arginine.
Molecular consequence: missense variant.
Genome position (GRCh38, 1-based): chr11:64,730,133, C>G on the plus strand (G>C on the coding strand, the complement: RASGRP2 is on the minus strand). VCF-style: chr11-64730133-C-G. GRCh37 (hg19) VCF-style: chr11-64497605-C-G.
Other names: c.1474G>C, p.Gly492Arg (NM_001098670.2, NM_153819.2); c.1039G>C, p.Gly347Arg (NM_001318398.2); short protein forms G347R, G492R.
Identifiers: ClinVar variation 3610671 (VCV003610671.2).

ClinVar aggregate classification (germline): Uncertain significance (1 of 4 stars; one submission).

gnomAD v4.1: 12 of 1,551,476 alleles (0.00077%); highest among the groups gnomAD compares: Middle Eastern, 0.017%; no homozygotes.

Submission:

Labcorp Genetics (formerly Invitae), Labcorp
Classification: Uncertain significance. Last evaluated: 2024-11-18. Review status: criteria provided, single submitter. Criteria: Invitae Variant Classification Sherloc (09022015). Collection method: clinical testing. Allele origin: germline.
Comment: This sequence change replaces glycine, which is neutral and non-polar, with arginine, which is basic and polar, at codon 492 of the RASGRP2 protein (p.Gly492Arg). This variant is present in population databases (no rsID available, gnomAD 0.007%). This variant has not been reported in the literature in individuals affected with RASGRP2-related conditions. Invitae Evidence Modeling of protein sequence and biophysical properties (such as structural, functional, and spatial information, amino acid conservation, physicochemical variation, residue mobility, and thermodynamic stability) indicates that this missense variant is not expected to disrupt RASGRP2 protein function with a negative predictive value of 80%. In summary, the available evidence is currently insufficient to determine the role of this variant in disease. Therefore, it has been classified as a Variant of Uncertain Significance.